The following is an entry in ClinVar:

ClinVar aggregate classification (germline): Uncertain significance (1 of 4 stars; one submission).

gnomAD v4.1: 1 of 1,165,598 alleles (0.000086%); highest among the groups gnomAD compares: Non-Finnish European, 0.00012%; no homozygotes.

Submission:

Greenwood Genetic Center Diagnostic Laboratories, Greenwood Genetic Center
Classification: Uncertain significance. Last evaluated: 2020-12-28. Review status: criteria provided, single submitter. Criteria: ACMG Guidelines, 2015. Collection method: clinical testing. Allele origin: germline. Affected: yes.
Comment: PM2

NM_004380.3(CREBBP):c.5831C>A (p.Ala1944Asp)

Gene: CREBBP (CREB binding protein; minus strand). Cytogenetic location: 16p13.3.
Variant type: single nucleotide variant.
Coding change: c.5831C>A on transcript NM_004380.3 (MANE Select); coding-DNA position 5831, C replaced by A.
Protein change: p.Ala1944Asp; replaces alanine 1944 with aspartic acid.
Molecular consequence: missense variant.
Genome position (GRCh38, 1-based): chr16:3,729,216, G>T on the plus strand (C>A on the coding strand, the complement: CREBBP is on the minus strand). VCF-style: chr16-3729216-G-T. GRCh37 (hg19) VCF-style: chr16-3779217-G-T.
Other names: c.5717C>A, p.Ala1906Asp (NM_001079846.1); short protein forms A1906D, A1944D.
Identifiers: ClinVar variation 1331556 (VCV001331556.4), dbSNP rs751146607, ClinGen allele CA394555319.